The following is an entry in ClinVar:

NM_133433.4(NIPBL):c.6954+3A>C

Gene: NIPBL (NIPBL cohesin loading factor; plus strand). Cytogenetic location: 5p13.2.
Variant type: single nucleotide variant.
Coding change: c.6954+3A>C on transcript NM_133433.4 (MANE Select); 3 bases into the intron after coding-DNA position 6954, A replaced by C.
Molecular consequence: intron variant.
Genome position (GRCh38, 1-based): chr5:37,049,304, A>C. VCF-style: chr5-37049304-A-C. GRCh37 (hg19) VCF-style: chr5-37049406-A-C.
Other names: c.6954+3A>C (NM_015384.5).
Identifiers: ClinVar variation 3340640 (VCV003340640.1).

ClinVar aggregate classification (germline): Pathogenic (1 of 4 stars; one submission).

Submission:

GeneDx
Classification: Pathogenic. Last evaluated: 2024-03-11. Review status: criteria provided, single submitter. Criteria: GeneDx Variant Classification Process June 2021. Collection method: clinical testing. Allele origin: germline. Affected: yes.
Comment: Canonical splice site variant demonstrated to result in loss of a coding exon in a gene for which loss of function is a known mechanism of disease (PMID: 30606125, 31157197); Not observed at significant frequency in large population cohorts (gnomAD); This variant is associated with the following publications: (PMID: 30606125, 31157197)